The following is an entry in ClinVar:

ClinVar aggregate classification (germline): Uncertain significance (1 of 4 stars; one submission).

Conditions:
Primary ciliary dyskinesia. Also called: Ciliary dyskinesia. Identifiers: Orphanet 244, MedGen C0008780, MONDO:0016575, HP:0012265.

Submission:

Labcorp Genetics (formerly Invitae), Labcorp
Classification: Uncertain significance for Primary ciliary dyskinesia. Last evaluated: 2021-06-04. Review status: criteria provided, single submitter. Criteria: Invitae Variant Classification Sherloc (09022015). Collection method: clinical testing. Allele origin: germline.
Comment: This sequence change replaces glutamine with arginine at codon 2145 of the DNAH8 protein (p.Gln2145Arg). The glutamine residue is highly conserved and there is a small physicochemical difference between glutamine and arginine. The frequency data for this variant in the population databases is not available, as this variant may be reported as separate entries in the ExAC database. This variant has not been reported in the literature in individuals with DNAH8-related conditions. Algorithms developed to predict the effect of sequence changes on RNA splicing suggest that this variant may create or strengthen a splice site, but this prediction has not been confirmed by published transcriptional studies. In summary, the available evidence is currently insufficient to determine the role of this variant in disease. Therefore, it has been classified as a Variant of Uncertain Significance.

NM_001206927.2(DNAH8):c.6433_6434delinsAG (p.Gln2145Arg)

Gene: DNAH8 (dynein axonemal heavy chain 8; plus strand). Cytogenetic location: 6p21.2.
Variant type: Indel.
Coding change: c.6433_6434delinsAG on transcript NM_001206927.2 (MANE Select); coding-DNA positions 6433 to 6434, CA replaced by AG.
Protein change: p.Gln2145Arg; replaces glutamine 2145 with arginine.
Molecular consequence: missense variant.
Genome position (GRCh38, 1-based): chr6:38,863,995-38,863,996, CA replaced by AG. VCF-style: chr6-38863995-CA-AG. GRCh37 (hg19) VCF-style: chr6-38831771-CA-AG.
Other names: c.5782_5783delinsAG, p.Gln1928Arg (NM_001371.4); short protein forms Q1928R, Q2145R.
Identifiers: ClinVar variation 1476687 (VCV001476687.3), dbSNP rs2150413656, ClinGen allele CA2573140349.
Genomic context (GRCh38, chr6:38,863,995, plus strand): 5'-TTATCAGTGGCAGCACAACAAATTTATATTGTTTTGACAGCAAGAAAAGAAAGAAAGAAA[CA>AG]GTTCATTTTTTCTGATGGTGATTGTGTTGATTTAAATCCAGAATTTGGAATCTTCTTAAC-3'
Protein context (NP_001193856.1, residues 2135-2155): VLTARKERKK[Gln2145Arg]FIFSDGDCVD